The following is an entry in ClinVar:

NM_004415.4(DSP):c.5912T>C (p.Leu1971Pro)

Gene: DSP (desmoplakin; plus strand). Cytogenetic location: 6p24.3.
Variant type: single nucleotide variant.
Coding change: c.5912T>C on transcript NM_004415.4 (MANE Select); coding-DNA position 5912, T replaced by C.
Protein change: p.Leu1971Pro; replaces leucine 1971 with proline.
Molecular consequence: missense variant.
Genome position (GRCh38, 1-based): chr6:7,583,174, T>C. VCF-style: chr6-7583174-T-C. GRCh37 (hg19) VCF-style: chr6-7583407-T-C.
Other names: c.4115T>C, p.Leu1372Pro (NM_001008844.3); c.4583T>C, p.Leu1528Pro (NM_001319034.2); short protein forms L1971P, L1372P, L1528P.
Identifiers: ClinVar variation 44934 (VCV000044934.23), dbSNP rs397516950, ClinGen allele CA006662.

ClinVar aggregate classification (germline): Conflicting classifications of pathogenicity. Review status: criteria provided, conflicting classifications (1 of 4 stars). 8 submissions from 8 submitters: Uncertain significance (7); Benign (1). Last evaluated 2025-12-01.

Conditions:
Cardiovascular phenotype. Identifiers: MedGen CN230736.
Arrhythmogenic cardiomyopathy with wooly hair and keratoderma. Also called: Dilated cardiomyopathy with woolly hair and keratoderma; Arrhythmogenic cardiomyopathy with woolly hair and keratoderma; PALMOPLANTAR KERATODERMA WITH LEFT VENTRICULAR CARDIOMYOPATHY AND WOOLLY HAIR; Carvajal syndrome. Identifiers: Orphanet 65282, MedGen C1854063, MONDO:0011581, OMIM 605676.
Arrhythmogenic right ventricular dysplasia 8 (ARVD8). Also called: Arrhythmogenic Right Ventricular Dysplasia/Cardiomyopathy 8; ARRHYTHMOGENIC RIGHT VENTRICULAR DYSPLASIA, FAMILIAL, 8; ARRHYTHMOGENIC RIGHT VENTRICULAR CARDIOMYOPATHY 8. Identifiers: MedGen C1843896, MONDO:0011831, OMIM 607450.
Cardiomyopathy (CMYO). Also called: Cardiomyopathies. Identifiers: Orphanet 167848, MedGen C0878544, MONDO:0004994, HP:0001638. Inheritance: Various modes of inheritance.

Allele frequency attached by ClinVar (database versions not stated): TOPMed 0.00002; 1000 Genomes Project 30x 0.00016; 1000 Genomes Project 0.00020; gnomAD exomes below 0.00001 and 0.00001; ExAC 0.00001; gnomAD 0.00001.
gnomAD v4.1: 6 of 1,614,012 alleles (0.00037%); highest among the groups gnomAD compares: African/African-American, 0.0067%; no homozygotes.

Submissions (8):

Women's Health and Genetics/Laboratory Corporation of America, LabCorp
Classification: Uncertain significance. Last evaluated: 2025-12-01. Review status: criteria provided, single submitter. Criteria: LabCorp Variant Classification Summary - May 2015. Collection method: clinical testing. Allele origin: germline.
Comment: Variant summary: DSP c.5912T>C (p.Leu1971Pro) results in a non-conservative amino acid change in the encoded protein sequence. Algorithms developed to predict the effect of missense changes on protein structure and function are either unavailable or do not agree on the potential impact of this missense change. The variant allele was found at a frequency of 1.2e-05 in 251330 control chromosomes, predominantly observed in the African subpopulation at a frequency of 0.000167 (4/23994). This frequency is about 7-fold higher than the estimated maximal expected allele frequency of a pathogenic DSP variant (0.000025), suggesting this is likely a benign polymorphism found primarily in the populations of African origin, although the allele count is small. To our knowledge, no occurrence of c.5912T>C in individuals affected with DSP-related conditions and no experimental evidence demonstrating its impact on protein function have been reported. ClinVar contains an entry for this variant (Variation ID: 44934). Based on the evidence outlined above, the variant was classified as VUS-possibly benign.

Labcorp Genetics (formerly Invitae), Labcorp
Classification: Benign for Arrhythmogenic cardiomyopathy with wooly hair and keratoderma; Arrhythmogenic right ventricular dysplasia 8. Last evaluated: 2024-10-15. Review status: criteria provided, single submitter. Criteria: Invitae Variant Classification Sherloc (09022015). Collection method: clinical testing. Allele origin: germline.

GeneDx
Classification: Uncertain significance. Last evaluated: 2024-09-18. Review status: criteria provided, single submitter. Criteria: GeneDx Variant Classification Process June 2021. Collection method: clinical testing. Allele origin: germline. Affected: yes.
Comment: Not observed at significant frequency in large population cohorts (gnomAD); In silico analysis supports that this missense variant has a deleterious effect on protein structure/function; Has not been previously published as pathogenic or benign to our knowledge

All of Us Research Program, National Institutes of Health
Classification: Uncertain significance for Arrhythmogenic cardiomyopathy with wooly hair and keratoderma. Last evaluated: 2024-05-14. Review status: criteria provided, single submitter. Criteria: ACMG Guidelines, 2015. Collection method: clinical testing. Allele origin: germline. Inheritance: Autosomal dominant inheritance. Observed: 4 variant alleles, 4 heterozygotes.
Comment: This missense variant replaces leucine with proline at codon 1971 of the DSP protein. Computational prediction is inconclusive regarding the impact of this variant on protein structure and function (internally defined REVEL score threshold 0.5 < inconclusive < 0.7, PMID: 27666373). To our knowledge, functional studies have not been reported for this variant. This variant has not been reported in individuals affected with DSP-related disorders in the literature. This variant has been identified in 4/282694 chromosomes in the general population by the Genome Aggregation Database (gnomAD). The available evidence is insufficient to determine the role of this variant in disease conclusively. Therefore, this variant is classified as a Variant of Uncertain Significance.

This study involves interpretation of variants in research participants for the purpose of population health screening. Participant phenotype was not available at the time of variant classification. Additional details can be found in publication PMID: 35346344, PMCID: PMC8962531

Color Diagnostics, LLC DBA Color Health
Classification: Uncertain significance for Cardiomyopathy. Last evaluated: 2024-03-06. Review status: criteria provided, single submitter. Criteria: ACMG Guidelines, 2015. Collection method: clinical testing. Allele origin: germline.
Comment: This missense variant replaces leucine with proline at codon 1971 of the DSP protein. Computational prediction is inconclusive regarding the impact of this variant on protein structure and function. To our knowledge, functional studies have not been reported for this variant. This variant has not been reported in individuals affected with DSP-related disorders in the literature. This variant has been identified in 4/282694 chromosomes in the general population by the Genome Aggregation Database (gnomAD). The available evidence is insufficient to determine the role of this variant in disease conclusively. Therefore, this variant is classified as a Variant of Uncertain Significance.

Ambry Genetics
Classification: Uncertain significance for Cardiovascular phenotype. Last evaluated: 2023-03-27. Review status: criteria provided, single submitter. Criteria: Ambry General Variant Classification Scheme_2022. Collection method: clinical testing. Allele origin: germline.
Comment: The p.L1971P variant (also known as c.5912T>C), located in coding exon 24 of the DSP gene, results from a T to C substitution at nucleotide position 5912. The leucine at codon 1971 is replaced by proline, an amino acid with similar properties. This amino acid position is not well conserved in available vertebrate species. In addition, the in silico prediction for this alteration is inconclusive. Since supporting evidence is limited at this time, the clinical significance of this alteration remains unclear.

Mayo Clinic Laboratories, Mayo Clinic
Classification: Uncertain significance. Last evaluated: 2021-03-23. Review status: criteria provided, single submitter. Criteria: ACMG Guidelines, 2015. Collection method: clinical testing. Allele origin: germline. Observed: 1 variant allele.

Laboratory for Molecular Medicine, Mass General Brigham Personalized Medicine
Classification: Uncertain significance. Last evaluated: 2012-04-10. Review status: criteria provided, single submitter. Criteria: LMM Criteria. Collection method: clinical testing. Allele origin: germline. Observed: 1 variant allele.
Comment: The Leu1971Pro variant (DSP) has not been reported in the literature nor previou sly identified by our laboratory. Computational analyses (biochemical amino acid properties, conservation, AlignGVGD, PolyPhen2, and SIFT) suggest that this var iant may impact the protein, though this information is not predictive enough to determine pathogenicity. Additional information is needed to fully assess the c linical significance of the Leu1971Pro variant.